The following is an entry in ClinVar:

NM_014000.3(VCL):c.1176+20G>A

Gene: VCL (vinculin; plus strand). Cytogenetic location: 10q22.2.
Variant type: single nucleotide variant.
Coding change: c.1176+20G>A on transcript NM_014000.3 (MANE Select); 20 bases into the intron after coding-DNA position 1176, G replaced by A.
Molecular consequence: intron variant.
Genome position (GRCh38, 1-based): chr10:74,089,369, G>A. VCF-style: chr10-74089369-G-A. GRCh37 (hg19) VCF-style: chr10-75849127-G-A.
Other names: c.1176+20G>A (NM_003373.4).
Identifiers: ClinVar variation 379149 (VCV000379149.10), dbSNP rs370298549, ClinGen allele CA5562937.
Genomic context (GRCh38, chr10:74,089,369, plus strand): 5'-ACTCAAAGCAGAGCATTGCAAAGAAGATCGATGCTGCTCAGGTAGTCACAGTGATTTTCA[G>A]GAGGGGTGGGAAATATTTCATAAATATCCTAAGTCATAAATATCCTATCTTTCTTCTCTG-3'

ClinVar aggregate classification (germline): Benign/Likely benign. Review status: criteria provided, multiple submitters, no conflicts (2 of 4 stars). 3 submissions from 3 submitters: Benign (2); Likely benign (1). Last evaluated 2026-01-27.

Conditions:
Dilated cardiomyopathy 1W (CMD1W). Identifiers: Orphanet 154, MedGen C1969639, MONDO:0012667, OMIM 611407.

Allele frequency attached by ClinVar (database versions not stated): gnomAD exomes 0.00002 and 0.00005; ExAC 0.00007; TOPMed 0.00018; gnomAD 0.00025; 1000 Genomes Project 30x 0.00031; ESP Exome Variant Server 0.00031; 1000 Genomes Project 0.00040.
gnomAD v4.1: 46 of 1,613,254 alleles (0.0029%); highest among the groups gnomAD compares: African/African-American, 0.06%; no homozygotes.

Submissions (3):

Labcorp Genetics (formerly Invitae), Labcorp
Classification: Benign for Dilated cardiomyopathy 1W. Last evaluated: 2026-01-27. Review status: criteria provided, single submitter. Criteria: Invitae Variant Classification Sherloc (09022015). Collection method: clinical testing. Allele origin: germline.

Women's Health and Genetics/Laboratory Corporation of America, LabCorp
Classification: Benign. Last evaluated: 2025-11-24. Review status: criteria provided, single submitter. Criteria: LabCorp Variant Classification Summary - May 2015. Collection method: clinical testing. Allele origin: germline.

GeneDx
Classification: Likely benign. Last evaluated: 2017-09-01. Review status: criteria provided, single submitter. Criteria: GeneDx Variant Classification (06012015). Collection method: clinical testing. Allele origin: germline. Affected: yes.
Comment: This variant is considered likely benign or benign based on one or more of the following criteria: it is a conservative change, it occurs at a poorly conserved position in the protein, it is predicted to be benign by multiple in silico algorithms, and/or has population frequency not consistent with disease.